The following is an entry in ClinVar:

ClinVar aggregate classification (germline): Pathogenic (1 of 4 stars; one submission).

Conditions:
Phelan-McDermid syndrome. Also called: TELOMERIC 22q13 MONOSOMY SYNDROME; 22q13.3 deletion syndrome; Phelan-McDermid Syndrome-SHANK3 Related. Identifiers: Orphanet 48652, MedGen C1853490, MONDO:0011652, OMIM 606232.

Allele frequency attached by ClinVar (database versions not stated): gnomAD exomes 0.00001.

Submission:

Genetics Laboratory, UDIAT-Centre Diagnòstic, Hospital Universitari Parc Tauli
Classification: Pathogenic for Phelan-McDermid syndrome. Last evaluated: 2022-10-04. Review status: criteria provided, single submitter. Criteria: Parc Tauli Hospital Assertion Criteria 2021. Collection method: clinical testing. Allele origin: de novo. Inheritance: Autosomal dominant inheritance. Affected: yes.
Comment: PVS1;PM2_supporting;PM6

NM_001372044.2(SHANK3):c.2871T>A (p.Tyr957Ter)

Gene: SHANK3 (SH3 and multiple ankyrin repeat domains 3; plus strand). Cytogenetic location: 22q13.33.
Variant type: single nucleotide variant.
Coding change: c.2871T>A on transcript NM_001372044.2 (MANE Select); coding-DNA position 2871, T replaced by A.
Protein change: p.Tyr957Ter; replaces tyrosine 957 with a stop codon.
Molecular consequence: nonsense.
Genome position (GRCh38, 1-based): chr22:50,720,479, T>A. VCF-style: chr22-50720479-T-A. GRCh37 (hg19) VCF-style: chr22-51158907-T-A.
Other names: c.2646T>A, p.Tyr882Ter (NM_033517.1); short protein forms Y882*, Y957*.
Identifiers: ClinVar variation 1708213 (VCV001708213.2), dbSNP rs2518425257, ClinGen allele CA515259386.